The following is an entry in ClinVar:

ClinVar aggregate classification (germline): Uncertain significance (1 of 4 stars; one submission).

Conditions:
Aortic aneurysm, familial thoracic 4 (AAT4). Also called: AORTIC ANEURYSM/AORTIC DISSECTION AND PATENT DUCTUS ARTERIOSUS. Identifiers: MedGen C1851504, MONDO:0007568, OMIM 132900.

Submission:

Labcorp Genetics (formerly Invitae), Labcorp
Classification: Uncertain significance for Aortic aneurysm, familial thoracic 4. Last evaluated: 2022-11-26. Review status: criteria provided, single submitter. Criteria: Invitae Variant Classification Sherloc (09022015). Collection method: clinical testing. Allele origin: germline.
Comment: This sequence change replaces threonine, which is neutral and polar, with asparagine, which is neutral and polar, at codon 1490 of the MYH11 protein (p.Thr1490Asn). This variant is not present in population databases (gnomAD no frequency). This variant has not been reported in the literature in individuals affected with MYH11-related conditions. Advanced modeling of protein sequence and biophysical properties (such as structural, functional, and spatial information, amino acid conservation, physicochemical variation, residue mobility, and thermodynamic stability) performed at Invitae indicates that this missense variant is not expected to disrupt MYH11 protein function. In summary, the available evidence is currently insufficient to determine the role of this variant in disease. Therefore, it has been classified as a Variant of Uncertain Significance.

NM_002474.3(MYH11):c.4448C>A (p.Thr1483Asn)

Genes: MYH11 (myosin heavy chain 11; minus strand), NDE1 (nudE neurodevelopment protein 1; plus strand). Cytogenetic location: 16p13.11.
Variant type: single nucleotide variant.
Coding change: c.4448C>A on transcript NM_002474.3 (MANE Select); coding-DNA position 4448, C replaced by A.
Protein change: p.Thr1483Asn; replaces threonine 1483 with asparagine.
Molecular consequence: missense variant. On other transcripts: intron variant (2).
Genome position (GRCh38, 1-based): chr16:15,721,552, G>T on the plus strand (C>A on the coding strand, the complement: MYH11 is on the minus strand). VCF-style: chr16-15721552-G-T. GRCh37 (hg19) VCF-style: chr16-15815409-G-T.
Other names: c.4469C>A, p.Thr1490Asn (NM_001040113.2, NM_001040114.2); c.4448C>A, p.Thr1483Asn (NM_022844.3); c.948-2639G>T (NM_001143979.2, NM_017668.3); short protein forms T1483N, T1490N.
Identifiers: ClinVar variation 2816838 (VCV002816838.3), dbSNP rs1383310134, ClinGen allele CA394855319.